The following is an entry in ClinVar:

NM_001267550.2(TTN):c.47191C>T (p.Arg15731Cys)

Genes: TTN (titin; minus strand), TTN-AS1 (TTN antisense RNA 1; plus strand). Cytogenetic location: 2q31.2.
Variant type: single nucleotide variant.
Coding change: c.47191C>T on transcript NM_001267550.2 (MANE Select); coding-DNA position 47191, C replaced by T.
Protein change: p.Arg15731Cys; replaces arginine 15731 with cysteine.
Molecular consequence: missense variant.
Genome position (GRCh38, 1-based): chr2:178,618,267, G>A on the plus strand (C>T on the coding strand, the complement: TTN is on the minus strand). VCF-style: chr2-178618267-G-A. GRCh37 (hg19) VCF-style: chr2-179482994-G-A.
Other names: p.R13163C:CGT>TGT; c.42268C>T, p.Arg14090Cys (NM_001256850.1); c.39487C>T, p.Arg13163Cys (NM_133378.4); c.19996C>T, p.Arg6666Cys (NM_003319.4); c.20371C>T, p.Arg6791Cys (NM_133432.3); c.20572C>T, p.Arg6858Cys (NM_133437.4); short protein forms R15731C, R13163C, R14090C, R6791C, R6666C, R6858C.
Identifiers: ClinVar variation 47007 (VCV000047007.90), dbSNP rs72677231, ClinGen allele CA139747.

ClinVar aggregate classification (germline): Conflicting classifications of pathogenicity. Review status: criteria provided, conflicting classifications (1 of 4 stars). 27 submissions from 23 submitters: Uncertain significance (3); Benign (9); Likely benign (9). 6 of the submissions do not count toward it. Last evaluated 2026-09-01.

Conditions:
TTN-related disorder. Also called: TTN-related disorders; TTN-related condition; TTN-related disease.
Cardiovascular phenotype. Identifiers: MedGen CN230736.
Autosomal recessive limb-girdle muscular dystrophy type 2J (LGMDR10). Also called: MUSCULAR DYSTROPHY, LIMB-GIRDLE, AUTOSOMAL RECESSIVE 10; Limb-girdle muscular dystrophy, type 2J. Identifiers: Orphanet 140922, MedGen C1837342, MONDO:0012127, OMIM 608807.
Dilated cardiomyopathy 1G (CMD1G). Identifiers: Orphanet 154, MedGen C1858763, MONDO:0011400, OMIM 604145.
Limb-girdle muscular dystrophy (LGMD). Also called: Muscular Dystrophies, Limb-Girdle. Identifiers: Orphanet 263, MedGen C0686353, MeSH D049288, MONDO:0016971, HP:0006785.
Cardiomyopathy (CMYO). Also called: Cardiomyopathies. Identifiers: Orphanet 167848, MedGen C0878544, MONDO:0004994, HP:0001638. Inheritance: Various modes of inheritance.
Early-onset myopathy with fatal cardiomyopathy (CMYO5). Also called: CONGENITAL MYOPATHY 5 WITH CARDIOMYOPATHY; Salih Myopathy. Identifiers: Orphanet 289377, MedGen C2673677, MONDO:0012714, OMIM 611705. Disease mechanism: loss of function.
Myopathy, myofibrillar, 9, with early respiratory failure (MFM9). Also called: Myopathy, distal, with early respiratory failure, autosomal dominant; Hereditary myopathy with early respiratory failure; EDSTROM MYOPATHY; MYOPATHY, PROXIMAL, WITH EARLY RESPIRATORY MUSCLE INVOLVEMENT. Identifiers: Orphanet 178464, Orphanet 34521, MedGen C1863599, MONDO:0011362, OMIM 603689.
Tibial muscular dystrophy (TMD). Also called: Tibial muscular dystrophy, tardive; Udd Distal Myopathy – Tibial Muscular Dystrophy; UDD MYOPATHY. Identifiers: Orphanet 609, MedGen C1838244, MONDO:0010870, OMIM 600334.

Allele frequency attached by ClinVar (database versions not stated): gnomAD 0.00228 and 0.00229; TOPMed 0.00235; 1000 Genomes Project 0.00140; ExAC 0.00225; gnomAD exomes 0.00233 and 0.00355; 1000 Genomes Project 30x 0.00156; ESP Exome Variant Server 0.00214.
gnomAD v4.1: 5,483 of 1,612,720 alleles (0.34%); highest among the groups gnomAD compares: Non-Finnish European, 0.42%; 11 homozygotes.

Submissions 1 to 18 of 27:

CeGaT Center for Human Genetics Tuebingen
Classification: Likely benign. Last evaluated: 2026-09-01. Review status: criteria provided, single submitter. Criteria: CeGaT Center For Human Genetics Tuebingen Variant Classification Criteria Version 2. Collection method: clinical testing. Allele origin: germline. Affected: yes. Observed: 38 variant alleles.
Comment: TTN: PP3, BS1

Labcorp Genetics (formerly Invitae), Labcorp
Classification: Benign for Dilated cardiomyopathy 1G; Autosomal recessive limb-girdle muscular dystrophy type 2J. Last evaluated: 2026-02-03. Review status: criteria provided, single submitter. Criteria: Invitae Variant Classification Sherloc (09022015). Collection method: clinical testing. Allele origin: germline.

Mayo Clinic Laboratories, Mayo Clinic
Classification: Benign. Last evaluated: 2025-10-10. Review status: criteria provided, single submitter. Criteria: ACMG Guidelines, 2015. Collection method: clinical testing. Allele origin: germline. Observed: 20 variant alleles.
Comment: BS1, BS2

ARUP Laboratories, Molecular Genetics and Genomics, ARUP Laboratories
Classification: Likely benign. Last evaluated: 2025-04-24. Review status: criteria provided, single submitter. Criteria: ARUP Molecular Germline Variant Investigation Process 2024. Collection method: clinical testing. Allele origin: germline.

Molecular Diagnostic Laboratory for Inherited Cardiovascular Disease, Montreal Heart Institute
Classification: Likely benign. Last evaluated: 2025-04-09. Review status: criteria provided, single submitter. Criteria: ACMG Guidelines, 2015. Collection method: clinical testing. Allele origin: germline. Affected: no.

Blueprint Genetics
Classification: Likely benign. Last evaluated: 2024-11-18. Review status: criteria provided, single submitter. Criteria: ACMG Guidelines, 2015. Collection method: clinical testing. Allele origin: germline.

Athena Diagnostics
Classification: Benign. Last evaluated: 2024-01-29. Review status: criteria provided, single submitter. Criteria: Athena Diagnostics Criteria. Collection method: clinical testing. Allele origin: unknown.

GeneDx
Classification: Benign. Last evaluated: 2020-07-16. Review status: criteria provided, single submitter. Criteria: GeneDx Variant Classification Process June 2021. Collection method: clinical testing. Allele origin: germline. Affected: yes.
Comment: This variant is associated with the following publications: (PMID: 27930701, 25163546, 24503780, 23861362, 29961767)

Women's Health and Genetics/Laboratory Corporation of America, LabCorp
Classification: Benign. Last evaluated: 2019-08-13. Review status: criteria provided, single submitter. Criteria: LabCorp Variant Classification Summary - May 2015. Collection method: clinical testing. Allele origin: germline.
Comment: Variant summary: TTN c.39487C>T (p.Arg13163Cys) results in a non-conservative amino acid change located in the A-band region of the encoded protein sequence. Five of five in-silico tools predict a damaging effect of the variant on protein function. The variant allele was found at a frequency of 0.0023 in 248102 control chromosomes in the gnomAD database, including 1 homozygote. The observed variant frequency is approximately 3.7 fold of the estimated maximal expected allele frequency for a pathogenic variant in TTN causing Cardiomyopathy phenotype (0.00063), strongly suggesting that the variant is benign. c.39487C>T has been reported in the literature in sequencing studies of individuals affected with a variety of cardiac phenotypes (example, Pugh_2014). These report(s) do not provide unequivocal conclusions about association of the variant with Cardiomyopathy. To our knowledge, no experimental evidence demonstrating an impact on protein function has been reported. Seven clinical diagnostic laboratories have submitted clinical-significance assessments for this variant to ClinVar after 2014 without evidence for independent evaluation. Six of these submitters have classified the variant as likely benign (n=5)/benign (n=1). Based on the evidence outlined above, the variant was classified as benign.

Cambridge Genomics Laboratory, East Genomic Laboratory Hub, NHS Genomic Medicine Service
Classification: Likely benign for Limb-girdle muscular dystrophy. Last evaluated: 2019-04-17. Review status: criteria provided, single submitter. Criteria: ACGS Best Practice Guidelines for Variant Classification in Rare Disease 2020. Collection method: clinical testing. Allele origin: germline. Affected: yes. Observed: 1 variant allele.

CHEO Genetics Diagnostic Laboratory, Children's Hospital of Eastern Ontario
Classification: Benign for Cardiomyopathy. Last evaluated: 2018-06-26. Review status: criteria provided, single submitter. Criteria: ACMG Guidelines, 2015. Collection method: clinical testing. Allele origin: germline.

Illumina Laboratory Services, Illumina
Classification: Uncertain significance for Autosomal recessive limb-girdle muscular dystrophy type 2J. Last evaluated: 2018-01-12. Review status: criteria provided, single submitter. Criteria: ICSL Variant Classification Criteria 13 December 2019. Collection method: clinical testing. Allele origin: germline.

Illumina Laboratory Services, Illumina
Classification: Uncertain significance for Early-onset myopathy with fatal cardiomyopathy. Last evaluated: 2018-01-12. Review status: criteria provided, single submitter. Criteria: ICSL Variant Classification Criteria 13 December 2019. Collection method: clinical testing. Allele origin: germline.

Illumina Laboratory Services, Illumina
Classification: Uncertain significance for Dilated cardiomyopathy 1G. Last evaluated: 2018-01-12. Review status: criteria provided, single submitter. Criteria: ICSL Variant Classification Criteria 13 December 2019. Collection method: clinical testing. Allele origin: germline.

Illumina Laboratory Services, Illumina
Classification: Benign for Myopathy, myofibrillar, 9, with early respiratory failure. Last evaluated: 2018-01-12. Review status: criteria provided, single submitter. Criteria: ICSL Variant Classification Criteria 13 December 2019. Collection method: clinical testing. Allele origin: germline.
Comment: This variant was observed in the ICSL laboratory as part of a predisposition screen in an ostensibly healthy population. It had not been previously curated by ICSL or reported in the Human Gene Mutation Database (HGMD: prior to June 1st, 2018), and was therefore a candidate for classification through an automated scoring system. Utilizing variant allele frequency, disease prevalence and penetrance estimates, and inheritance mode, an automated score was calculated to assess if this variant is too frequent to cause the disease. Based on the score and internal cut-off values, a variant classified as benign is not then subjected to further curation. The score for this variant resulted in a classification of benign for this disease.

Illumina Laboratory Services, Illumina
Classification: Benign for Tibial muscular dystrophy. Last evaluated: 2018-01-12. Review status: criteria provided, single submitter. Criteria: ICSL Variant Classification Criteria 13 December 2019. Collection method: clinical testing. Allele origin: germline.
Comment: the same text as in the submission from Illumina Laboratory Services, Illumina above.

Genetic Services Laboratory, University of Chicago
Classification: Likely benign. Last evaluated: 2016-05-03. Review status: criteria provided, single submitter. Criteria: ACMG Guidelines, 2015. Collection method: clinical testing. Allele origin: germline. Affected: no.

Eurofins Ntd Llc (ga)
Classification: Likely benign. Last evaluated: 2015-08-01. Review status: criteria provided, single submitter. Criteria: EGL Classification Definitions 2015. Collection method: clinical testing. Allele origin: germline. Observed: 1 variant allele.